The following is an entry in ClinVar:

NM_001813.3(CENPE):c.7192A>G (p.Met2398Val)

Gene: CENPE (centromere protein E; minus strand). Cytogenetic location: 4q24.
Variant type: single nucleotide variant.
Coding change: c.7192A>G on transcript NM_001813.3 (MANE Select); coding-DNA position 7192, A replaced by G.
Protein change: p.Met2398Val; replaces methionine 2398 with valine.
Molecular consequence: missense variant.
Genome position (GRCh38, 1-based): chr4:103,120,285, T>C on the plus strand (A>G on the coding strand, the complement: CENPE is on the minus strand). VCF-style: chr4-103120285-T-C. GRCh37 (hg19) VCF-style: chr4-104041442-T-C.
Other names: c.6829A>G, p.Met2277Val (NM_001286734.2); short protein forms M2277V, M2398V.
Identifiers: ClinVar variation 2505962 (VCV002505962.1), dbSNP rs1274989545, ClinGen allele CA357770893.
Genomic context (GRCh38, chr4:103,120,285, plus strand): 5'-TTATGTCATTAGTCACCTCAAGTTCTTTCTGCATCTTTATAATCTTGCTTTCCTTATGCA[T>C]AGCACTTTCTTTAGCTTCATGCAGTGAATTTTCCAGCTCTCGAATTTTCTATTAGAAAAA-3'
Protein context (NP_001804.2, residues 2388-2408): NSLHEAKESA[Met2398Val]HKESKIIKMQ

ClinVar aggregate classification (germline): Uncertain significance (1 of 4 stars; one submission).

Allele frequency attached by ClinVar (database versions not stated): gnomAD exomes below 0.00001.
gnomAD v4.1: 5 of 1,611,038 alleles (0.00031%); highest among the groups gnomAD compares: Non-Finnish European, 0.00042%; no homozygotes.

Submission:

GeneDx
Classification: Uncertain significance. Last evaluated: 2022-12-14. Review status: criteria provided, single submitter. Criteria: GeneDx Variant Classification Process June 2021. Collection method: clinical testing. Allele origin: germline. Affected: yes.
Comment: Not observed at significant frequency in large population cohorts (gnomAD); In silico analysis supports that this missense variant does not alter protein structure/function; Has not been previously published as pathogenic or benign to our knowledge